The following is an entry in ClinVar:

NM_198578.4(LRRK2):c.2510C>G (p.Ser837Cys)

Gene: LRRK2 (leucine rich repeat kinase 2; plus strand). Cytogenetic location: 12q12.
Variant type: single nucleotide variant.
Coding change: c.2510C>G on transcript NM_198578.4 (MANE Select); coding-DNA position 2510, C replaced by G.
Protein change: p.Ser837Cys; replaces serine 837 with cysteine.
Molecular consequence: missense variant.
Genome position (GRCh38, 1-based): chr12:40,287,360, C>G. VCF-style: chr12-40287360-C-G. GRCh37 (hg19) VCF-style: chr12-40681162-C-G.
Other names: short protein forms S837C.
Identifiers: ClinVar variation 2567357 (VCV002567357.2), dbSNP rs2499678840, ClinGen allele CA384408551.
Genomic context (GRCh38, chr12:40,287,360, plus strand): 5'-TTTTTGCATAATTGTTGATTTCTAAGTTGCTGGTGTATCTCTTATTTTCAGATATAGCAT[C>G]TACACTAGCAAGAATGGTGATCAGATATCAGATGAAAAGTGCTGTGGAAGAAGGAACAGC-3'
Protein context (NP_940980.4, residues 827-847): SNLRKQTNIA[Ser837Cys]TLARMVIRYQ

ClinVar aggregate classification (germline): Uncertain significance (1 of 4 stars; one submission).

Conditions:
Inborn genetic diseases. Identifiers: MedGen C0950123, MeSH D030342.

Submission:

Ambry Genetics
Classification: Uncertain significance for Inborn genetic diseases. Last evaluated: 2023-04-13. Review status: criteria provided, single submitter. Criteria: Ambry Variant Classification Scheme 2023. Collection method: clinical testing. Allele origin: germline.
Comment: The p.S837C variant (also known as c.2510C>G), located in coding exon 20 of the LRRK2 gene, results from a C to G substitution at nucleotide position 2510. The serine at codon 837 is replaced by cysteine, an amino acid with dissimilar properties. This amino acid position is conserved. In addition, the in silico prediction for this alteration is inconclusive. Since supporting evidence is limited at this time, the clinical significance of this alteration remains unclear.